The following is an entry in ClinVar:

NM_021625.5(TRPV4):c.2550C>A (p.Asn850Lys)

Gene: TRPV4 (transient receptor potential cation channel subfamily V member 4; minus strand). Cytogenetic location: 12q24.11.
Variant type: single nucleotide variant.
Coding change: c.2550C>A on transcript NM_021625.5 (MANE Select); coding-DNA position 2550, C replaced by A.
Protein change: p.Asn850Lys; replaces asparagine 850 with lysine.
Molecular consequence: missense variant.
Genome position (GRCh38, 1-based): chr12:109,783,687, G>T on the plus strand (C>A on the coding strand, the complement: TRPV4 is on the minus strand). VCF-style: chr12-109783687-G-T. GRCh37 (hg19) VCF-style: chr12-110221492-G-T.
Other names: c.2409C>A, p.Asn803Lys (NM_001177428.2); c.2448C>A, p.Asn816Lys (NM_001177431.2); c.2229C>A, p.Asn743Lys (NM_001177433.2); c.2370C>A, p.Asn790Lys (NM_147204.3); short protein forms N743K, N790K, N803K, N816K, N850K.
Identifiers: ClinVar variation 1001030 (VCV001001030.8), dbSNP rs571407723, ClinGen allele CA386648424.
Genomic context (GRCh38, chr12:109,783,687, plus strand): 5'-CGGGGCGTCATCAGTCCTCCACTTGCGGGGGTAACCCTGCTGGTGGCCATCGCAGCGGGG[G>T]TTCCCCATGCTGTCCAGAGGCACCACCACCTCGTCCGGGTTCGAGTTCTTGTTCAGTTCC-3'
Protein context (NP_067638.3, residues 840-860): EVVVPLDSMG[Asn850Lys]PRCDGHQQGY

ClinVar aggregate classification (germline): Uncertain significance (1 of 4 stars; one submission).

Conditions:
Charcot-Marie-Tooth disease axonal type 2C (HMSN2C). Also called: Charcot-Marie-Tooth Disease Type 2, TRPV4-Related (CMT2C); CHARCOT-MARIE-TOOTH DISEASE, AXONAL, AUTOSOMAL DOMINANT, TYPE 2C; Charcot-Marie-Tooth Neuropathy Type 2C. Identifiers: Orphanet 99937, MedGen C1853710, MONDO:0011633, OMIM 606071.

Submission:

Labcorp Genetics (formerly Invitae), Labcorp
Classification: Uncertain significance for Charcot-Marie-Tooth disease axonal type 2C. Last evaluated: 2020-02-15. Review status: criteria provided, single submitter. Criteria: Invitae Variant Classification Sherloc (09022015). Collection method: clinical testing. Allele origin: germline.
Comment: In summary, the available evidence is currently insufficient to determine the role of this variant in disease. Therefore, it has been classified as a Variant of Uncertain Significance. This variant is not present in population databases (ExAC no frequency). This sequence change replaces asparagine with lysine at codon 850 of the TRPV4 protein (p.Asn850Lys). The asparagine residue is weakly conserved and there is a moderate physicochemical difference between asparagine and lysine. Algorithms developed to predict the effect of missense changes on protein structure and function output the following: SIFT: "Tolerated"; PolyPhen-2: "Benign"; Align-GVGD: "Class C0". The lysine amino acid residue is found in multiple mammalian species, suggesting that this missense change does not adversely affect protein function. These predictions have not been confirmed by published functional studies and their clinical significance is uncertain. This variant has not been reported in the literature in individuals with TRPV4-related disease.